The following is an entry in ClinVar:

NM_022765.4(MICAL1):c.3154GAG[1] (p.Glu1053del)

Gene: MICAL1 (microtubule associated monooxygenase, calponin and LIM domain containing 1; minus strand). Cytogenetic location: 6q21.
Variant type: Microsatellite.
Coding change: c.3154GAG[1] on transcript NM_022765.4 (MANE Select); one copy of the 3-base unit GAG starting at c.3154; the reference has two copies in a row; one copy, 3 bases deleted.
Protein change: p.Glu1053del; deletes glutamic acid 1053.
Molecular consequence: inframe deletion.
Genome position (GRCh38, 1-based): chr6:109,444,236-109,444,238, CTC deleted on the plus strand (GAG on the coding strand, the reverse complement: MICAL1 is on the minus strand); deleting any 3 consecutive bases within chr6:109,444,236-109,444,243 gives the same sequence; the position shown is the placement nearest the transcript's 3' end. VCF-style (leftmost placement, unchanged base first): chr6-109444235-GCTC-G. GRCh37 (hg19) VCF-style: chr6-109765438-GCTC-G.
Other names: c.2896GAG[1], p.Glu967del (NM_001159291.2); c.3211GAG[1], p.Glu1072del (NM_001286613.2); short protein forms E1072del, E1053del, E967del.
Identifiers: ClinVar variation 1480282 (VCV001480282.6), dbSNP rs759905835, ClinGen allele CA3952631.

ClinVar aggregate classification (germline): Uncertain significance (1 of 4 stars; one submission).

Submission:

Labcorp Genetics (formerly Invitae), Labcorp
Classification: Uncertain significance. Last evaluated: 2023-05-08. Review status: criteria provided, single submitter. Criteria: Invitae Variant Classification Sherloc (09022015). Collection method: clinical testing. Allele origin: germline.
Comment: This variant, c.3214_3216del, results in the deletion of 1 amino acid(s) of the MICAL1 protein (p.Glu1072del), but otherwise preserves the integrity of the reading frame. This variant is present in population databases (rs759905835, gnomAD 0.02%). This variant has not been reported in the literature in individuals affected with MICAL1-related conditions. Experimental studies and prediction algorithms are not available or were not evaluated, and the functional significance of this variant is currently unknown. In summary, the available evidence is currently insufficient to determine the role of this variant in disease. Therefore, it has been classified as a Variant of Uncertain Significance.